The following is an entry in ClinVar:

NM_020791.4(TAOK1):c.1338+8C>T

Gene: TAOK1 (TAO kinase 1; plus strand). Cytogenetic location: 17q11.2.
Variant type: single nucleotide variant.
Coding change: c.1338+8C>T on transcript NM_020791.4 (MANE Select); 8 bases into the intron after coding-DNA position 1338, C replaced by T.
Molecular consequence: intron variant.
Genome position (GRCh38, 1-based): chr17:29,502,731, C>T. VCF-style: chr17-29502731-C-T. GRCh37 (hg19) VCF-style: chr17-27829749-C-T.
Other names: c.1338+8C>T (NM_025142.1).
Identifiers: ClinVar variation 4883336 (VCV004883336.2).

ClinVar aggregate classification (germline): Uncertain significance (1 of 4 stars; one submission).

Conditions:
TAOK1-related neurodevelopmental disorder.

Submission:

Dasa
Classification: Uncertain significance for TAOK1-related neurodevelopmental disorder. Last evaluated: 2025-12-04. Review status: criteria provided, single submitter. Criteria: DASA Assertion Criteria. Collection method: clinical testing. Allele origin: germline.
Comment: NM_020791.4(TAOK1):c.1338+8C>T is a splice-region variant. This variant is absent from population databases. Computational prediction algorithms are consistent with a benign effect. The currently available literature and clinical evidence are not sufficient to establish a definitive association between this variant and the reported condition. Therefore, this variant is classified as a variant of uncertain significance.